The following is an entry in ClinVar:

ClinVar aggregate classification (germline): Uncertain significance (1 of 4 stars; one submission).

Submission:

GeneDx
Classification: Uncertain significance. Last evaluated: 2024-11-07. Review status: criteria provided, single submitter. Criteria: GeneDx Variant Classification Process June 2021. Collection method: clinical testing. Allele origin: germline.
Comment: Not observed at significant frequency in large population cohorts (gnomAD); In silico analysis supports that this missense variant has a deleterious effect on protein structure/function; Has not been previously published as pathogenic or benign to our knowledge

NM_002024.6(FMR1):c.73G>A (p.Glu25Lys)

Gene: FMR1 (fragile X messenger ribonucleoprotein 1; plus strand). Cytogenetic location: Xq27.3.
Variant type: single nucleotide variant.
Coding change: c.73G>A on transcript NM_002024.6 (MANE Select); coding-DNA position 73, G replaced by A.
Protein change: p.Glu25Lys; replaces glutamic acid 25 with lysine.
Molecular consequence: missense variant. On other transcripts: non-coding transcript variant (2).
Genome position (GRCh38, 1-based): chrX:147,921,954, G>A. VCF-style: chrX-147921954-G-A. GRCh37 (hg19) VCF-style: chrX-147003472-G-A.
Other names: c.73G>A, p.Glu25Lys (NM_001185075.2, NM_001185076.2, NM_001185081.2 and 1 more transcripts); short protein forms E25K.
Identifiers: ClinVar variation 3362155 (VCV003362155.2).
Genomic context (GRCh38, chrX:147,921,954, plus strand): 5'-TTAAGCTCACAAGTTAATTTAACGTTTTTTCTTACACAGGCATTTGTAAAGGATGTTCAT[G>A]AAGATTCAATAACAGTTGCATTTGAAAACAAGTAAGTGTCTCGTTATATAATTTTAATGA-3'
Protein context (NP_002015.1, residues 15-35): FYKAFVKDVH[Glu25Lys]DSITVAFENN